The following is an entry in ClinVar:

NM_001365536.1(SCN9A):c.4987A>G (p.Met1663Val)

Genes: SCN1A-AS1 (SCN1A and SCN9A antisense RNA 1; plus strand), SCN9A (sodium voltage-gated channel alpha subunit 9; minus strand). Cytogenetic location: 2q24.3.
Variant type: single nucleotide variant.
Coding change: c.4987A>G on transcript NM_001365536.1 (MANE Select); coding-DNA position 4987, A replaced by G.
Protein change: p.Met1663Val; replaces methionine 1663 with valine.
Molecular consequence: missense variant. On other transcripts: non-coding transcript variant (1).
Genome position (GRCh38, 1-based): chr2:166,199,652, T>C on the plus strand (A>G on the coding strand, the complement: SCN9A is on the minus strand). VCF-style: chr2-166199652-T-C. GRCh37 (hg19) VCF-style: chr2-167056162-T-C.
Other names: c.4954A>G, p.Met1652Val (NM_002977.4); short protein forms M1652V, M1663V.
Identifiers: ClinVar variation 574867 (VCV000574867.10), dbSNP rs757798263, ClinGen allele CA349054979.

ClinVar aggregate classification (germline): Uncertain significance (1 of 4 stars; one submission).

Conditions:
Generalized epilepsy with febrile seizures plus, type 7 (GEFSP7). Also called: GEFS+, TYPE 7. Identifiers: Orphanet 36387, MedGen C2751778, MONDO:0013470, OMIM 613863.
Neuropathy, hereditary sensory and autonomic, type 2A (HSAN2A). Also called: MORVAN DISEASE; NEUROPATHY, CONGENITAL SENSORY; NEUROPATHY, HEREDITARY SENSORY RADICULAR, AUTOSOMAL RECESSIVE; NEUROPATHY, HEREDITARY SENSORY, TYPE IIA; NEUROPATHY, PROGRESSIVE SENSORY, OF CHILDREN; WNK1-Related HSAN2 (HSAN2A). Identifiers: Orphanet 970, MedGen C2752089, MONDO:0024309, OMIM 201300.

Submission:

Labcorp Genetics (formerly Invitae), Labcorp
Classification: Uncertain significance for Neuropathy, hereditary sensory and autonomic, type 2A; Generalized epilepsy with febrile seizures plus, type 7. Last evaluated: 2024-03-21. Review status: criteria provided, single submitter. Criteria: Invitae Variant Classification Sherloc (09022015). Collection method: clinical testing. Allele origin: germline.
Comment: This sequence change replaces methionine, which is neutral and non-polar, with valine, which is neutral and non-polar, at codon 1652 of the SCN9A protein (p.Met1652Val). This variant is not present in population databases (gnomAD no frequency). This variant has not been reported in the literature in individuals affected with SCN9A-related conditions. ClinVar contains an entry for this variant (Variation ID: 574867). Advanced modeling of protein sequence and biophysical properties (such as structural, functional, and spatial information, amino acid conservation, physicochemical variation, residue mobility, and thermodynamic stability) has been performed at Invitae for this missense variant, however the output from this modeling did not meet the statistical confidence thresholds required to predict the impact of this variant on SCN9A protein function. In summary, the available evidence is currently insufficient to determine the role of this variant in disease. Therefore, it has been classified as a Variant of Uncertain Significance.